The following is an entry in ClinVar:

NM_000391.4(TPP1):c.90-3C>T

Gene: TPP1 (tripeptidyl peptidase 1; minus strand). Cytogenetic location: 11p15.4.
Variant type: single nucleotide variant.
Coding change: c.90-3C>T on transcript NM_000391.4 (MANE Select); 3 bases into the intron before coding-DNA position 90, C replaced by T.
Molecular consequence: intron variant.
Genome position (GRCh38, 1-based): chr11:6,618,918, G>A on the plus strand (C>T on the coding strand, the complement: TPP1 is on the minus strand). VCF-style: chr11-6618918-G-A. GRCh37 (hg19) VCF-style: chr11-6640149-G-A.
Identifiers: ClinVar variation 953611 (VCV000953611.6), dbSNP rs767078570, ClinGen allele CA5859052.

ClinVar aggregate classification (germline): Uncertain significance. Review status: criteria provided, single submitter (1 of 4 stars). 2 submissions from 2 submitters: Uncertain significance (1). 1 of the submissions does not count toward it. Last evaluated 2022-08-16.

Conditions:
Neuronal ceroid lipofuscinosis 2. Also called: TPP1-Related Neuronal Ceroid-Lipofuscinosis; JANSKY-BIELSCHOWSKY DISEASE NEURONAL CEROID LIPOFUSCINOSIS, LATE INFANTILE. Identifiers: Orphanet 168491, Orphanet 228349, Orphanet 79264, MedGen C1876161, MONDO:0008769, OMIM 204500.

Allele frequency attached by ClinVar (database versions not stated): TOPMed below 0.00001; ExAC 0.00001; gnomAD exomes 0.00002.
gnomAD v4.1: 6 of 1,612,804 alleles (0.00037%); highest among the groups gnomAD compares: Admixed American, 0.005%; no homozygotes.

Submissions (2):

Labcorp Genetics (formerly Invitae), Labcorp
Classification: Uncertain significance. Last evaluated: 2022-08-16. Review status: criteria provided, single submitter. Criteria: Invitae Variant Classification Sherloc (09022015). Collection method: clinical testing. Allele origin: germline.
Comment: This sequence change falls in intron 2 of the TPP1 gene. It does not directly change the encoded amino acid sequence of the TPP1 protein. It affects a nucleotide within the consensus splice site. This variant is present in population databases (rs767078570, gnomAD 0.009%). This variant has not been reported in the literature in individuals affected with TPP1-related conditions. ClinVar contains an entry for this variant (Variation ID: 953611). Variants that disrupt the consensus splice site are a relatively common cause of aberrant splicing (PMID: 17576681, 9536098). Algorithms developed to predict the effect of sequence changes on RNA splicing suggest that this variant is not likely to affect RNA splicing. In summary, the available evidence is currently insufficient to determine the role of this variant in disease. Therefore, it has been classified as a Variant of Uncertain Significance.

Natera, Inc.
Classification: Uncertain significance for Neuronal ceroid lipofuscinosis 2. Last evaluated: 2020-05-15. Review status: no assertion criteria provided. Collection method: clinical testing. Allele origin: germline. Not counted in ClinVar's aggregate classification.

Literature cited by the submitters: PubMed 17576681 (cited by Labcorp Genetics (formerly Invitae), Labcorp); PubMed 9536098 (cited by Labcorp Genetics (formerly Invitae), Labcorp).